The following is an entry in ClinVar:

NM_015662.3(IFT172):c.1584T>C (p.Tyr528=)

Gene: IFT172 (intraflagellar transport 172; minus strand). Cytogenetic location: 2p23.3.
Variant type: single nucleotide variant.
Coding change: c.1584T>C on transcript NM_015662.3 (MANE Select); coding-DNA position 1584, T replaced by C.
Protein change: p.Tyr528=; no amino-acid change (tyrosine 528 retained).
Molecular consequence: synonymous variant. On other transcripts: intron variant (1).
Genome position (GRCh38, 1-based): chr2:27,471,036, A>G on the plus strand (T>C on the coding strand, the complement: IFT172 is on the minus strand). VCF-style: chr2-27471036-A-G. GRCh37 (hg19) VCF-style: chr2-27693903-A-G.
Other names: c.1525-7T>C (NM_001410739.1).
Identifiers: ClinVar variation 3352645 (VCV003352645.3).

ClinVar aggregate classification (germline): Likely benign. Review status: criteria provided, single submitter (1 of 4 stars). 2 submissions from 2 submitters: Likely benign (1). 1 of the submissions does not count toward it. Last evaluated 2024-06-22.

Conditions:
IFT172-related disorder. Also called: IFT172-related disorders; IFT172-related condition.
Short-rib thoracic dysplasia 10 with or without polydactyly (SRTD10). Identifiers: Orphanet 474, MedGen C3810175, MONDO:0014284, OMIM 615630.
Retinitis pigmentosa 71 (RP71). Identifiers: Orphanet 791, MedGen C4225342, MONDO:0014618, OMIM 616394.

Submissions (2):

Labcorp Genetics (formerly Invitae), Labcorp
Classification: Likely benign for Retinitis pigmentosa 71; Short-rib thoracic dysplasia 10 with or without polydactyly. Last evaluated: 2024-06-22. Review status: criteria provided, single submitter. Criteria: Invitae Variant Classification Sherloc (09022015). Collection method: clinical testing. Allele origin: germline.

PreventionGenetics, part of Exact Sciences
Classification: Likely benign for IFT172-related condition. Last evaluated: 2019-05-15. Review status: no assertion criteria provided. Collection method: clinical testing. Allele origin: germline. Not counted in ClinVar's aggregate classification.
Comment: This variant is classified as likely benign based on ACMG/AMP sequence variant interpretation guidelines (Richards et al. 2015 PMID: 25741868, with internal and published modifications).